The following is an entry in ClinVar:

NM_194318.4(B3GLCT):c.271-3C>G

Gene: B3GLCT (beta 3-glucosyltransferase; plus strand). Cytogenetic location: 13q12.3.
Variant type: single nucleotide variant.
Coding change: c.271-3C>G on transcript NM_194318.4 (MANE Select); 3 bases into the intron before coding-DNA position 271, C replaced by G.
Molecular consequence: intron variant.
Genome position (GRCh38, 1-based): chr13:31,247,020, C>G. VCF-style: chr13-31247020-C-G. GRCh37 (hg19) VCF-style: chr13-31821157-C-G.
Identifiers: ClinVar variation 4293871 (VCV004293871.1).
Genomic context (GRCh38, chr13:31,247,020, plus strand): 5'-TTTTTTTACTTTTTTTCGGAGTAGTCAATTCATACTTATCTTCTTTGATCATTGTTTTCT[C>G]AGGAGCTCCCCAGTGTCCTCCTCCTTCATCAGCTGGCTAAACAAGAAGGTGCATGGACCA-3'

ClinVar aggregate classification (germline): Uncertain significance (1 of 4 stars; one submission).

Conditions:
Peters plus syndrome. Also called: KRAUSE-KIVLIN SYNDROME. Identifiers: Orphanet 709, MedGen C0796012, MONDO:0009856, OMIM 261540.

Submission:

3billion
Classification: Uncertain significance for Peters plus syndrome. Last evaluated: 2024-06-18. Review status: criteria provided, single submitter. Criteria: ACMG Guidelines, 2015. Collection method: clinical testing. Allele origin: germline. Affected: yes.
Comment: The variant is not observed in the gnomAD v4.0.0 dataset. Predicted Consequence/Location: Intron variant In silico tools predict the variant to alter splicing and produce an abnormal transcript [SpliceAI: 0.71 (>=0.2, moderate evidence for spliceogenicity)]. Therefore, this variant is classified as VUS according to the recommendation of ACMG/AMP guideline.